The following is an entry in ClinVar:

ClinVar aggregate classification (germline): Conflicting classifications of pathogenicity. Review status: criteria provided, conflicting classifications (1 of 4 stars). 2 submissions from 2 submitters: Likely pathogenic (1); Uncertain significance (1). Last evaluated 2024-04-02.

Conditions:
Adult hypophosphatasia. Identifiers: Orphanet 247676, Orphanet 436, MedGen C0268413, MONDO:1010154, OMIM 146300, MONDO:0007798.
Childhood hypophosphatasia. Identifiers: Orphanet 247667, Orphanet 436, MedGen C0220743, MONDO:1010168, OMIM 241510, MONDO:0009428.
Infantile hypophosphatasia. Identifiers: Orphanet 247651, Orphanet 436, MedGen C0268412, MONDO:1010169, OMIM 241500, MONDO:0009427.

Submissions (2):

Fulgent Genetics
Classification: Uncertain significance for Adult hypophosphatasia; Infantile hypophosphatasia; Childhood hypophosphatasia. Last evaluated: 2024-04-02. Review status: criteria provided, single submitter. Criteria: ACMG Guidelines, 2015. Collection method: clinical testing. Allele origin: germline.

Labcorp Genetics (formerly Invitae), Labcorp
Classification: Likely pathogenic. Last evaluated: 2023-01-29. Review status: criteria provided, single submitter. Criteria: Invitae Variant Classification Sherloc (09022015). Collection method: clinical testing. Allele origin: germline.
Comment: This variant is not present in population databases (gnomAD no frequency). This sequence change replaces asparagine, which is neutral and polar, with aspartic acid, which is acidic and polar, at codon 49 of the ALPL protein (p.Asn49Asp). This missense change has been observed in individual(s) with clinical features of ALPL-related conditions (Invitae). In summary, the currently available evidence indicates that the variant is pathogenic, but additional data are needed to prove that conclusively. Therefore, this variant has been classified as Likely Pathogenic. Advanced modeling of protein sequence and biophysical properties (such as structural, functional, and spatial information, amino acid conservation, physicochemical variation, residue mobility, and thermodynamic stability) performed at Invitae indicates that this missense variant is expected to disrupt ALPL protein function.

NM_000478.6(ALPL):c.145A>G (p.Asn49Asp)

Gene: ALPL (alkaline phosphatase, biomineralization associated; plus strand). Cytogenetic location: 1p36.12.
Variant type: single nucleotide variant.
Coding change: c.145A>G on transcript NM_000478.6 (MANE Select); coding-DNA position 145, A replaced by G.
Protein change: p.Asn49Asp; replaces asparagine 49 with aspartic acid.
Molecular consequence: missense variant. On other transcripts: 5 prime UTR variant (1), synonymous variant (1).
Genome position (GRCh38, 1-based): chr1:21,560,709, A>G. VCF-style: chr1-21560709-A-G. GRCh37 (hg19) VCF-style: chr1-21887202-A-G.
Other names: c.-21A>G (NM_001127501.4); c.30A>G, p.Pro10= (NM_001177520.3); c.145A>G, p.Asn49Asp (NM_001369803.2, NM_001369804.2, NM_001369805.2); short protein forms N49D.
Identifiers: ClinVar variation 1907402 (VCV001907402.6), dbSNP rs1644471991, ClinGen allele CA338877624.